The following is an entry in ClinVar:

ClinVar aggregate classification (germline): Pathogenic (1 of 4 stars; one submission).

Conditions:
Hyperekplexia 3 (HKPX3). Also called: HYPEREKPLEXIA 3, AUTOSOMAL RECESSIVE; HYPEREKPLEXIA 3, AUTOSOMAL DOMINANT. Identifiers: Orphanet 3197, MedGen C3553288, MONDO:0013827, OMIM 614618.

Submission:

Labcorp Genetics (formerly Invitae), Labcorp
Classification: Pathogenic for Hyperekplexia 3. Last evaluated: 2025-03-10. Review status: criteria provided, single submitter. Criteria: Invitae Variant Classification Sherloc (09022015). Collection method: clinical testing. Allele origin: germline.
Comment: This sequence change creates a premature translational stop signal (p.Leu598Tyrfs*23) in the SLC6A5 gene. It is expected to result in an absent or disrupted protein product. Loss-of-function variants in SLC6A5 are known to be pathogenic (PMID: 14622583, 16751771, 22700964). This variant is not present in population databases (gnomAD no frequency). This variant has not been reported in the literature in individuals affected with SLC6A5-related conditions. For these reasons, this variant has been classified as Pathogenic.

Literature cited by the submitters: PubMed 14622583; PubMed 16751771; PubMed 22700964.

NM_004211.5(SLC6A5):c.1792del (p.Leu598fs)

Gene: SLC6A5 (solute carrier family 6 member 5; plus strand). Cytogenetic location: 11p15.1.
Variant type: Deletion.
Coding change: c.1792del on transcript NM_004211.5 (MANE Select); coding-DNA position 1792, one base deleted (C; older notation c.1792delC).
Protein change: p.Leu598fs; shifts the reading frame from leucine 598.
Molecular consequence: frameshift variant.
Genome position (GRCh38, 1-based): chr11:20,637,226, C deleted; the last of 2 consecutive C bases (chr11:20,637,225-20,637,226); deleting either gives the same sequence. VCF-style (leftmost placement, unchanged base first): chr11-20637224-AC-A. GRCh37 (hg19) VCF-style: chr11-20658770-AC-A.
Other names: c.1090del, p.Leu364fs (NM_001318369.2); short protein forms L364fs, L598fs.
Identifiers: ClinVar variation 4714211 (VCV004714211.1).